The following is an entry in ClinVar:

ClinVar aggregate classification (germline): Uncertain significance (1 of 4 stars; one submission).

Submission:

Labcorp Genetics (formerly Invitae), Labcorp
Classification: Uncertain significance. Last evaluated: 2022-04-18. Review status: criteria provided, single submitter. Criteria: Invitae Variant Classification Sherloc (09022015). Collection method: clinical testing. Allele origin: germline.
Comment: This sequence change replaces phenylalanine, which is neutral and non-polar, with leucine, which is neutral and non-polar, at codon 274 of the MYO5B protein (p.Phe274Leu). In summary, the available evidence is currently insufficient to determine the role of this variant in disease. Therefore, it has been classified as a Variant of Uncertain Significance. Algorithms developed to predict the effect of missense changes on protein structure and function output the following: SIFT: "Deleterious"; PolyPhen-2: "Benign"; Align-GVGD: "Class C0". The leucine amino acid residue is found in multiple mammalian species, which suggests that this missense change does not adversely affect protein function. This variant has not been reported in the literature in individuals affected with MYO5B-related conditions. This variant is not present in population databases (gnomAD no frequency).

NM_001080467.3(MYO5B):c.822T>G (p.Phe274Leu)

Gene: MYO5B (myosin VB; minus strand). Cytogenetic location: 18q21.1.
Variant type: single nucleotide variant.
Coding change: c.822T>G on transcript NM_001080467.3 (MANE Select); coding-DNA position 822, T replaced by G.
Protein change: p.Phe274Leu; replaces phenylalanine 274 with leucine.
Molecular consequence: missense variant.
Genome position (GRCh38, 1-based): chr18:49,990,455, A>C on the plus strand (T>G on the coding strand, the complement: MYO5B is on the minus strand). VCF-style: chr18-49990455-A-C. GRCh37 (hg19) VCF-style: chr18-47516825-A-C.
Other names: short protein forms F274L.
Identifiers: ClinVar variation 2127636 (VCV002127636.4), dbSNP rs765588746, ClinGen allele CA402437090.